The following is an entry in ClinVar:

NM_000488.4(SERPINC1):c.830_831del (p.Glu277fs)

Gene: SERPINC1 (serpin family C member 1; minus strand). Cytogenetic location: 1q25.1.
Variant type: Microsatellite.
Coding change: c.830_831del on transcript NM_000488.4 (MANE Select); coding-DNA positions 830 to 831, 2 bases deleted (AG; older notation c.830_831delAG).
Protein change: p.Glu277fs; shifts the reading frame from glutamic acid 277.
Molecular consequence: frameshift variant.
Genome position (GRCh38, 1-based): chr1:173,909,874-173,909,875, CT deleted on the plus strand (AG on the coding strand, the reverse complement: SERPINC1 is on the minus strand); deleting any 2 consecutive bases within chr1:173,909,874-173,909,878 gives the same sequence; the c. name uses the placement nearest the transcript's 3' end. VCF-style (leftmost placement, unchanged base first): chr1-173909873-ACT-A. GRCh37 (hg19) VCF-style: chr1-173879011-ACT-A.
Other names: NM_001386306.1:c.614_615del; c.686_687del, p.Glu229fs (NM_001365052.2); c.953_954del, p.Glu318fs (NM_001386302.1); c.911_912del, p.Glu304fs (NM_001386303.1); c.809_810del, p.Glu270fs (NM_001386304.1); c.773_774del, p.Glu258fs (NM_001386305.1); c.614_615del, p.Glu205fs (NM_001386306.1); short protein forms E277fs, E229fs, E205fs, E258fs, E270fs, E304fs, E318fs.
Identifiers: ClinVar variation 961679 (VCV000961679.8), dbSNP rs1657694750, ClinGen allele CA1139771046.
Genomic context (GRCh38, chr1:173,909,873, plus strand): 5'-CTTCAGCCACGCGCCGATAACGGAACTTGCCTTCCTGGTACATCATAGATGCTGAACACG[ACT>A]CTCCATCAGCCTTGTAGAACAGTTCCTTCCTTGTGTTCTCAGGGCTGAACTTTGACTTCC-3'

ClinVar aggregate classification (germline): Pathogenic. Review status: reviewed by expert panel (3 of 4 stars). 3 submissions from 3 submitters: Pathogenic (1). 2 of the submissions do not count toward it. Last evaluated 2023-09-21.

Conditions:
Hereditary antithrombin deficiency (AT3D). Also called: Reduced antithrombin III activity; Antithrombin deficiency; Antithrombin III deficiency; Thrombophilia due to antithrombin III deficiency. Identifiers: Orphanet 82, MedGen C0272375, MONDO:0013144, OMIM 613118, HP:0001976.

Submissions (3):

Clingen Thrombosis Variant Curation Expert Panel, ClinGen
Classification: Pathogenic for Hereditary antithrombin deficiency. Last evaluated: 2023-09-21. Review status: reviewed by expert panel. Criteria: ClinGen ACMG Specifications SERPINC1 V1.0.0. Collection method: curation. Allele origin: germline. Inheritance: Autosomal dominant inheritance.
Comment: The variant SERPINC1 p.Glu277ValfsTer20 is predicted to lead to a loss of function by nonsense mediated mRNA decay (NMD) with the being exon present in biologically relevant transcripts. The variant has been reported in 5 individuals in the literature (PMID: 33220012, 30721820, 1868237, 33725558) meeting the SERPINC1 phenotype criteria; however only 1 of them was reported with repeat AT testing meeting PP4 and PS4_Moderate criteria. To date, the variant has not been reported in the general population (gnomAD v2.1.1 and v3.1) found in neither the genomes nor exomes meeting PM2_Supporting. The variant has been reported in 18 segregations across 3 families in the literature meeting PP1_Strong (PMIDs: 33220012, 1868237, 33725558). In summary, this variant meets criteria to be classified as pathogenic. ACMG/AMP criteria applied, as specified by the Thrombosis Variant Curation Expert Panel for SERPINC1: PVS1, PP1_strong, PS4_Moderate, PP4, PM2_supporting.

Labcorp Genetics (formerly Invitae), Labcorp
Classification: Pathogenic for Hereditary antithrombin deficiency. Last evaluated: 2019-10-06. Review status: criteria provided, single submitter. Criteria: Invitae Variant Classification Sherloc (09022015). Collection method: clinical testing. Allele origin: germline. Not counted in ClinVar's aggregate classification.
Comment: For these reasons, this variant has been classified as Pathogenic. Loss-of-function variants in SERPINC1 are known to be pathogenic (PMID: 21264449). This variant has been observed in several individuals affected with Antithrombin deficiency (PMID: 1868237). This variant is also known as p.Glu245fs* in the literature This variant is not present in population databases (ExAC no frequency). This sequence change creates a premature translational stop signal (p.Glu277Valfs*20) in the SERPINC1 gene. It is expected to result in an absent or disrupted protein product.

OMIM
Classification: Pathogenic for THROMBOPHILIA DUE TO ANTITHROMBIN III DEFICIENCY. Last evaluated: 1991-08-15. Review status: no assertion criteria provided. Collection method: literature only. Allele origin: germline. Not counted in ClinVar's aggregate classification.

Literature cited by the submitters: PubMed 21264449 (cited by Labcorp Genetics (formerly Invitae), Labcorp); PubMed 1868237 (cited by Labcorp Genetics (formerly Invitae), Labcorp and OMIM).